The following is an entry in ClinVar:

ClinVar aggregate classification (germline): Uncertain significance (1 of 4 stars; one submission).

Conditions:
Hereditary cancer-predisposing syndrome. Also called: Neoplastic Syndromes, Hereditary; Tumor predisposition; Hereditary neoplastic syndrome; Hereditary Cancer Syndrome. Identifiers: Orphanet 140162, MedGen C0027672, MeSH D009386, MONDO:0015356.

Allele frequency attached by ClinVar (database versions not stated): gnomAD 0.00001.

Submission:

Ambry Genetics
Classification: Uncertain significance for Hereditary cancer-predisposing syndrome. Last evaluated: 2023-12-21. Review status: criteria provided, single submitter. Criteria: Ambry Variant Classification Scheme 2023. Collection method: clinical testing. Allele origin: germline.
Comment: The p.G82D variant (also known as c.245G>A), located in coding exon 3 of the PMS2 gene, results from a G to A substitution at nucleotide position 245. The glycine at codon 82 is replaced by aspartic acid, an amino acid with similar properties. This amino acid position is conserved. In addition, this alteration is predicted to be deleterious by in silico analysis. Since supporting evidence is limited at this time, the clinical significance of this alteration remains unclear.

NM_000535.7(PMS2):c.245G>A (p.Gly82Asp)

Gene: PMS2 (PMS1 homolog 2, mismatch repair system component; minus strand). Cytogenetic location: 7p22.1.
Variant type: single nucleotide variant.
Coding change: c.245G>A on transcript NM_000535.7 (MANE Select); coding-DNA position 245, G replaced by A.
Protein change: p.Gly82Asp; replaces glycine 82 with aspartic acid.
Molecular consequence: missense variant. On other transcripts: 5 prime UTR variant (37), synonymous variant (7), non-coding transcript variant (1), intron variant (1).
Genome position (GRCh38, 1-based): chr7:6,003,977, C>T on the plus strand (G>A on the coding strand, the complement: PMS2 is on the minus strand). VCF-style: chr7-6003977-C-T. GRCh37 (hg19) VCF-style: chr7-6043608-C-T.
Other names: c.431G>A, p.Gly144Asp (NM_001406866.1); c.245G>A, p.Gly82Asp (NM_001406868.1, NM_001406869.1, NM_001406870.1 and 10 more transcripts); c.-240G>A (NM_001406875.1, NM_001406877.1, NM_001406878.1 and 3 more transcripts); c.30G>A, p.Arg10= (NM_001406876.1, NM_001406883.1, NM_001406901.1 and 4 more transcripts); c.-187G>A (NM_001406880.1); c.-137G>A (NM_001406881.1, NM_001406900.1); c.-161G>A (NM_001406887.1, NM_001406891.1, NM_001406893.1 and 14 more transcripts); c.-108G>A (NM_001406888.1, NM_001406889.1, NM_001406892.1 and 6 more transcripts); and 3 more; short protein forms G144D, G82D.
Identifiers: ClinVar variation 3232016 (VCV003232016.1), dbSNP rs1386977804, ClinGen allele CA366744757.